The following is an entry in ClinVar:

ClinVar aggregate classification (germline): Benign. Review status: criteria provided, multiple submitters, no conflicts (2 of 4 stars). 3 submissions from 3 submitters: Benign (2). 1 of the submissions does not count toward it. Last evaluated 2019-12-31.

Conditions:
ACACB-related disorder. Also called: ACACB-related condition.

Allele frequency attached by ClinVar (database versions not stated): gnomAD exomes 0.00044 and 0.00121; ExAC 0.00144; 1000 Genomes Project 30x 0.00359; 1000 Genomes Project 0.00379; gnomAD 0.00456 and 0.00481; ESP Exome Variant Server 0.00492; TOPMed 0.00512.
gnomAD v4.1: 1,378 of 1,614,108 alleles (0.085%); highest among the groups gnomAD compares: African/African-American, 1.5%; 13 homozygotes.

Submissions (3):

Labcorp Genetics (formerly Invitae), Labcorp
Classification: Benign. Last evaluated: 2019-12-31. Review status: criteria provided, single submitter. Criteria: Invitae Variant Classification Sherloc (09022015). Collection method: clinical testing. Allele origin: germline.

Breakthrough Genomics
Classification: Benign. Review status: criteria provided, single submitter. Criteria: ACMG Guidelines, 2015. Collection method: not provided. Allele origin: germline. Inheritance: Unknown mechanism. Affected: yes.

PreventionGenetics, part of Exact Sciences
Classification: Benign for ACACB-related condition. Last evaluated: 2019-05-02. Review status: no assertion criteria provided. Collection method: clinical testing. Allele origin: germline. Not counted in ClinVar's aggregate classification.
Comment: This variant is classified as benign based on ACMG/AMP sequence variant interpretation guidelines (Richards et al. 2015 PMID: 25741868, with internal and published modifications).

NM_001093.4(ACACB):c.6411C>T (p.Thr2137=)

Gene: ACACB (acetyl-CoA carboxylase beta; plus strand). Cytogenetic location: 12q24.11.
Variant type: single nucleotide variant.
Coding change: c.6411C>T on transcript NM_001093.4 (MANE Select); coding-DNA position 6411, C replaced by T.
Protein change: p.Thr2137=; no amino-acid change (threonine 2137 retained).
Molecular consequence: synonymous variant.
Genome position (GRCh38, 1-based): chr12:109,259,023, C>T. VCF-style: chr12-109259023-C-T. GRCh37 (hg19) VCF-style: chr12-109696828-C-T.
Identifiers: ClinVar variation 727381 (VCV000727381.7), dbSNP rs61731614, ClinGen allele CA6775084.